The following is an entry in ClinVar:

NM_000322.5(PRPH2):c.290G>A (p.Trp97Ter)

Gene: PRPH2 (peripherin 2; minus strand). Cytogenetic location: 6p21.1.
Variant type: single nucleotide variant.
Coding change: c.290G>A on transcript NM_000322.5 (MANE Select); coding-DNA position 290, G replaced by A.
Protein change: p.Trp97Ter; replaces tryptophan 97 with a stop codon.
Molecular consequence: nonsense.
Genome position (GRCh38, 1-based): chr6:42,722,045, C>T on the plus strand (G>A on the coding strand, the complement: PRPH2 is on the minus strand). VCF-style: chr6-42722045-C-T. GRCh37 (hg19) VCF-style: chr6-42689783-C-T.
Other names: short protein forms W97*.
Identifiers: ClinVar variation 861236 (VCV000861236.9), dbSNP rs1761913693, ClinGen allele CA364137994.
Genomic context (GRCh38, chr6:42,722,045, plus strand): 5'-AGAGCCACAAGGAAGAGGATGATGTTGAAGAGAACACAGATAGCCAGGTACGGCTTCAGC[C>T]AGGGCTTCCATCTGGCATACTTGGCTGGGTCCAGGGCGTCGTAGCAGATCTTCCCAGCCA-3'

ClinVar aggregate classification (germline): Pathogenic (1 of 4 stars; one submission).

Conditions:
PRPH2-related disorder. Also called: PRPH2-related disorders; PRPH2-related condition. Identifiers: MedGen CN239395.

Submission:

Labcorp Genetics (formerly Invitae), Labcorp
Classification: Pathogenic for PRPH2-related disorder. Last evaluated: 2025-03-17. Review status: criteria provided, single submitter. Criteria: Invitae Variant Classification Sherloc (09022015). Collection method: clinical testing. Allele origin: germline.
Comment: This sequence change creates a premature translational stop signal (p.Trp97*) in the PRPH2 gene. It is expected to result in an absent or disrupted protein product. Loss-of-function variants in PRPH2 are known to be pathogenic (PMID: 8111389, 8485575, 8485576, 8675410, 16916875, 17504850, 22863181, 25675413, 26061163, 27365499, 29555955, 33546218). This variant is not present in population databases (gnomAD no frequency). This variant has not been reported in the literature in individuals affected with PRPH2-related conditions. ClinVar contains an entry for this variant (Variation ID: 861236). For these reasons, this variant has been classified as Pathogenic.

Literature cited by the submitters: PubMed 8111389; PubMed 8485575; PubMed 8485576; PubMed 8675410; PubMed 16916875; PubMed 17504850; PubMed 22863181; PubMed 25675413; PubMed 26061163; PubMed 27365499; PubMed 29555955; PubMed 33546218.